The following is an entry in ClinVar:

ClinVar aggregate classification (germline): Conflicting classifications of pathogenicity. Review status: criteria provided, conflicting classifications (1 of 4 stars). 3 submissions from 3 submitters: Uncertain significance (1); Likely benign (1). 1 of the submissions does not count toward it. Last evaluated 2024-11-18.

Conditions:
Hyperglycinuria. Also called: GLYCINURIA WITH OR WITHOUT OXALATE NEPHROLITHIASIS; GLYCINURIA WITH OR WITHOUT OXALATE UROLITHIASIS; IMINOGLYCINURIA TYPE II. Identifiers: MedGen C0543541, MONDO:0007677, OMIM 138500, HP:0003108.
SLC6A20-related disorder. Also called: SLC6A20-related condition.

Allele frequency attached by ClinVar (database versions not stated): 1000 Genomes Project 0.00020; TOPMed 0.00043; gnomAD 0.00044 and 0.00045; ExAC 0.00047; gnomAD exomes 0.00047 and 0.00064; ESP Exome Variant Server 0.00048; 1000 Genomes Project 30x 0.00109.
gnomAD v4.1: 991 of 1,613,622 alleles (0.061%); highest among the groups gnomAD compares: Non-Finnish European, 0.077%; 1 homozygote.

Submissions (3):

Blueprint Genetics
Classification: Likely benign. Last evaluated: 2024-11-18. Review status: criteria provided, single submitter. Criteria: ACMG Guidelines, 2015. Collection method: clinical testing. Allele origin: germline.

Illumina Laboratory Services, Illumina
Classification: Uncertain significance for Hyperglycinuria. Last evaluated: 2018-01-12. Review status: criteria provided, single submitter. Criteria: ICSL Variant Classification Criteria 13 December 2019. Collection method: clinical testing. Allele origin: germline.

PreventionGenetics, part of Exact Sciences
Classification: Likely benign for SLC6A20-related condition. Last evaluated: 2019-04-07. Review status: no assertion criteria provided. Collection method: clinical testing. Allele origin: germline. Not counted in ClinVar's aggregate classification.
Comment: This variant is classified as likely benign based on ACMG/AMP sequence variant interpretation guidelines (Richards et al. 2015 PMID: 25741868, with internal and published modifications).

NM_020208.4(SLC6A20):c.594C>T (p.Phe198=)

Gene: SLC6A20 (solute carrier family 6 member 20; minus strand). Cytogenetic location: 3p21.31.
Variant type: single nucleotide variant.
Coding change: c.594C>T on transcript NM_020208.4 (MANE Select); coding-DNA position 594, C replaced by T.
Protein change: p.Phe198=; no amino-acid change (phenylalanine 198 retained).
Molecular consequence: synonymous variant. On other transcripts: intron variant (1).
Genome position (GRCh38, 1-based): chr3:45,772,604, G>A on the plus strand (C>T on the coding strand, the complement: SLC6A20 is on the minus strand). VCF-style: chr3-45772604-G-A. GRCh37 (hg19) VCF-style: chr3-45814096-G-A.
Other names: c.583-1146C>T (NM_022405.4).
Identifiers: ClinVar variation 902540 (VCV000902540.7), dbSNP rs200143318, ClinGen allele CA2351560.